The following is an entry in ClinVar:

ClinVar aggregate classification (germline): Benign (1 of 4 stars; one submission).

Allele frequency attached by ClinVar (database versions not stated): gnomAD exomes 0.00160 and 0.00416; ExAC 0.00556; gnomAD 0.01720 and 0.01842; 1000 Genomes Project 0.01797; TOPMed 0.01932; ESP Exome Variant Server 0.01976; 1000 Genomes Project 30x 0.02061.
gnomAD v4.1: 4,725 of 1,425,622 alleles (0.33%); highest among the groups gnomAD compares: African/African-American, 5.9%; 125 homozygotes.

Submission:

GeneDx
Classification: Benign. Last evaluated: 2018-06-16. Review status: criteria provided, single submitter. Criteria: GeneDx Variant Classification (06012015). Collection method: clinical testing. Allele origin: germline. Affected: yes.
Comment: This variant is considered likely benign or benign based on one or more of the following criteria: it is a conservative change, it occurs at a poorly conserved position in the protein, it is predicted to be benign by multiple in silico algorithms, and/or has population frequency not consistent with disease.

NM_000503.6(EYA1):c.125-31C>T

Gene: EYA1 (EYA transcriptional coactivator and phosphatase 1; minus strand). Cytogenetic location: 8q13.3.
Variant type: single nucleotide variant.
Coding change: c.125-31C>T on transcript NM_000503.6 (MANE Select); 31 bases into the intron before coding-DNA position 125, C replaced by T.
Molecular consequence: intron variant.
Genome position (GRCh38, 1-based): chr8:71,334,205, G>A on the plus strand (C>T on the coding strand, the complement: EYA1 is on the minus strand). VCF-style: chr8-71334205-G-A. GRCh37 (hg19) VCF-style: chr8-72246440-G-A.
Other names: c.212-31C>T (NM_001370336.1, NM_001370333.1, NM_172059.5); c.125-31C>T (NM_001370335.1, NM_001370334.1, NM_001288574.2 and 1 more transcripts); c.-160-31C>T (NM_001288575.2).
Identifiers: ClinVar variation 683346 (VCV000683346.1), dbSNP rs113812295, ClinGen allele CA4779888.
Genomic context (GRCh38, chr8:71,334,205, plus strand): 5'-TTTCACTGCTGCTCATTGGCTCTGTTTTAACTACAAAAATAAACAACATACATCGATATT[G>A]AATTAATAGTTATTTGTAAAGACATGGAAGAGAAGATATAACATTCAGAGTAATGACAAG-3'